The following is an entry in ClinVar:

ClinVar aggregate classification (germline): Uncertain significance. Review status: criteria provided, multiple submitters, no conflicts (2 of 4 stars). 2 submissions from 2 submitters: Uncertain significance (2). Last evaluated 2026-03-12.

Conditions:
Cardiovascular phenotype. Identifiers: MedGen CN230736.
Naxos disease (NXD). Also called: KERATOSIS PALMOPLANTARIS WITH ARRHYTHMOGENIC CARDIOMYOPATHY; MAL DE NAXOS; PALMOPLANTAR KERATODERMA WITH ARRHYTHMOGENIC RIGHT VENTRICULAR CARDIOMYOPATHY AND WOOLLY HAIR; WOOLLY HAIR, PALMOPLANTAR KERATODERMA, AND CARDIAC ABNORMALITIES; CARDIOMYOPATHY, ARRHYTHMOGENIC RIGHT VENTRICULAR, WITH SKIN, HAIR, AND NAIL ABNORMALITIES. Identifiers: Orphanet 34217, MedGen C1832600, MONDO:0011017, OMIM 601214.
Arrhythmogenic right ventricular dysplasia 12. Also called: ARRHYTHMOGENIC RIGHT VENTRICULAR DYSPLASIA, FAMILIAL, 12. Identifiers: MedGen C1969081, MONDO:0012684, OMIM 611528.

Allele frequency attached by ClinVar (database versions not stated): ExAC 0.00001; gnomAD 0.00001 and 0.00002; gnomAD exomes 0.00002.
gnomAD v4.1: 18 of 1,614,114 alleles (0.0011%); highest among the groups gnomAD compares: East Asian, 0.0067%; no homozygotes.

Submissions (2):

Ambry Genetics
Classification: Uncertain significance for Cardiovascular phenotype. Last evaluated: 2026-03-12. Review status: criteria provided, single submitter. Criteria: Ambry Variant Classification Scheme 2023. Collection method: clinical testing. Allele origin: germline.
Comment: The p.R51H variant (also known as c.152G>A), located in coding exon 1 of the JUP gene, results from a G to A substitution at nucleotide position 152. The arginine at codon 51 is replaced by histidine, an amino acid with highly similar properties. This amino acid position is conserved. In addition, this alteration is predicted to be tolerated by in silico analysis. Based on the available evidence, the clinical significance of this variant remains unclear.

Labcorp Genetics (formerly Invitae), Labcorp
Classification: Uncertain significance for Arrhythmogenic right ventricular dysplasia 12; Naxos disease. Last evaluated: 2025-07-10. Review status: criteria provided, single submitter. Criteria: Invitae Variant Classification Sherloc (09022015). Collection method: clinical testing. Allele origin: germline.
Comment: This sequence change replaces arginine, which is basic and polar, with histidine, which is basic and polar, at codon 51 of the JUP protein (p.Arg51His). This variant is present in population databases (rs571707598, gnomAD 0.006%). This variant has not been reported in the literature in individuals affected with JUP-related conditions. ClinVar contains an entry for this variant (Variation ID: 834312). An algorithm developed to predict the effect of missense changes on protein structure and function outputs the following: PolyPhen-2: "Benign". The histidine amino acid residue is found in multiple mammalian species, which suggests that this missense change does not adversely affect protein function. In summary, the available evidence is currently insufficient to determine the role of this variant in disease. Therefore, it has been classified as a Variant of Uncertain Significance.

NM_002230.4(JUP):c.152G>A (p.Arg51His)

Gene: JUP (junction plakoglobin; minus strand). Cytogenetic location: 17q21.2.
Variant type: single nucleotide variant.
Coding change: c.152G>A on transcript NM_002230.4 (MANE Select); coding-DNA position 152, G replaced by A.
Protein change: p.Arg51His; replaces arginine 51 with histidine.
Molecular consequence: missense variant.
Genome position (GRCh38, 1-based): chr17:41,771,703, C>T on the plus strand (G>A on the coding strand, the complement: JUP is on the minus strand). VCF-style: chr17-41771703-C-T. GRCh37 (hg19) VCF-style: chr17-39927955-C-T.
Other names: c.152G>A, p.Arg51His (NM_001352773.2, NM_001352774.2, NM_001352775.2 and 3 more transcripts); short protein forms R51H.
Identifiers: ClinVar variation 834312 (VCV000834312.11), dbSNP rs571707598, ClinGen allele CA8565572.